The following is an entry in ClinVar:

NM_001077350.3(NPRL3):c.136T>C (p.Tyr46His)

Genes: HBA-LCR (alpha-globin locus control region; plus strand), NPRL3 (NPR3 like, GATOR1 complex subunit; minus strand). Cytogenetic location: 16p13.3.
Variant type: single nucleotide variant.
Coding change: c.136T>C on transcript NM_001077350.3 (MANE Select); coding-DNA position 136, T replaced by C.
Protein change: p.Tyr46His; replaces tyrosine 46 with histidine.
Molecular consequence: missense variant. On other transcripts: 5 prime UTR variant (2).
Genome position (GRCh38, 1-based): chr16:130,574, A>G on the plus strand (T>C on the coding strand, the complement: NPRL3 is on the minus strand). VCF-style: chr16-130574-A-G. GRCh37 (hg19) VCF-style: chr16-180573-A-G.
Other names: c.-197T>C (NM_001039476.3); c.-236T>C (NM_001243247.2); c.136T>C, p.Tyr46His (NM_001243248.2, NM_001243249.2); short protein forms Y46H.
Identifiers: ClinVar variation 2087357 (VCV002087357.4), dbSNP rs1364502296, ClinGen allele CA393997889.
Genomic context (GRCh38, chr16:130,574, plus strand): 5'-GCCTTTACCTGGAATCGCCGTCCTGCTCATCAGCATGGTCGCCCGTGTTGCTGGCAGCGT[A>G]TCTGCTACGCGGCTTACCTGAGTCGGGGCGAAAAGAGGGGAAGGGCTAAGAAAACAGGGT-3'
Protein context (NP_001070818.1, residues 36-56): ASQTSKPRSR[Tyr46His]AASNTGDHAD

ClinVar aggregate classification (germline): Uncertain significance (1 of 4 stars; one submission).

Conditions:
Epilepsy, familial focal, with variable foci 3 (FFEVF3). Identifiers: MedGen C4310708, MONDO:0014925, OMIM 617118.

Allele frequency attached by ClinVar (database versions not stated): gnomAD exomes 0.00001.
gnomAD v4.1: 4 of 1,555,220 alleles (0.00026%); highest among the groups gnomAD compares: South Asian, 0.0036%; no homozygotes.

Submission:

Labcorp Genetics (formerly Invitae), Labcorp
Classification: Uncertain significance for Epilepsy, familial focal, with variable foci 3. Last evaluated: 2023-12-23. Review status: criteria provided, single submitter. Criteria: Invitae Variant Classification Sherloc (09022015). Collection method: clinical testing. Allele origin: germline.
Comment: This sequence change replaces tyrosine, which is neutral and polar, with histidine, which is basic and polar, at codon 46 of the NPRL3 protein (p.Tyr46His). The frequency data for this variant in the population databases is considered unreliable, as metrics indicate poor data quality at this position in the gnomAD database. This variant has not been reported in the literature in individuals affected with NPRL3-related conditions. ClinVar contains an entry for this variant (Variation ID: 2087357). Advanced modeling of protein sequence and biophysical properties (such as structural, functional, and spatial information, amino acid conservation, physicochemical variation, residue mobility, and thermodynamic stability) performed at Invitae indicates that this missense variant is not expected to disrupt NPRL3 protein function with a negative predictive value of 80%. In summary, the available evidence is currently insufficient to determine the role of this variant in disease. Therefore, it has been classified as a Variant of Uncertain Significance.